The following is an entry in ClinVar:

ClinVar aggregate classification (germline): Likely benign. Review status: criteria provided, single submitter (1 of 4 stars). 2 submissions from 2 submitters: Likely benign (1). 1 of the submissions does not count toward it. Last evaluated 2026-01-31.

Conditions:
ITGB4-related disorder. Also called: ITGB4-related condition.

Allele frequency attached by ClinVar (database versions not stated): gnomAD exomes 0.00013 and 0.00026; ExAC 0.00026; ESP Exome Variant Server 0.00123; gnomAD 0.00124; TOPMed 0.00124; 1000 Genomes Project 30x 0.00125; 1000 Genomes Project 0.00140.
gnomAD v4.1: 351 of 1,613,766 alleles (0.022%); highest among the groups gnomAD compares: African/African-American, 0.39%; 1 homozygote.

Submissions (2):

Labcorp Genetics (formerly Invitae), Labcorp
Classification: Likely benign. Last evaluated: 2026-01-31. Review status: criteria provided, single submitter. Criteria: Invitae Variant Classification Sherloc (09022015). Collection method: clinical testing. Allele origin: germline.

PreventionGenetics, part of Exact Sciences
Classification: Likely benign for ITGB4-related condition. Last evaluated: 2023-08-05. Review status: no assertion criteria provided. Collection method: clinical testing. Allele origin: germline. Not counted in ClinVar's aggregate classification.
Comment: This variant is classified as likely benign based on ACMG/AMP sequence variant interpretation guidelines (Richards et al. 2015 PMID: 25741868, with internal and published modifications).

NM_000213.5(ITGB4):c.2896G>A (p.Asp966Asn)

Gene: ITGB4 (integrin subunit beta 4; plus strand). Cytogenetic location: 17q25.1.
Variant type: single nucleotide variant.
Coding change: c.2896G>A on transcript NM_000213.5 (MANE Select); coding-DNA position 2896, G replaced by A.
Protein change: p.Asp966Asn; replaces aspartic acid 966 with asparagine.
Molecular consequence: missense variant.
Genome position (GRCh38, 1-based): chr17:75,742,695, G>A. VCF-style: chr17-75742695-G-A. GRCh37 (hg19) VCF-style: chr17-73738776-G-A.
Other names: c.2896G>A, p.Asp966Asn (NM_001005619.2, NM_001005731.3, NM_001321123.2); short protein forms D966N.
Identifiers: ClinVar variation 741441 (VCV000741441.11), dbSNP rs150234651, ClinGen allele CA8769612.
Genomic context (GRCh38, chr17:75,742,695, plus strand): 5'-GTGCCCCTCTTTATCCGGCCTGAGGATGACGACGAGAAGCAGCTGCTGGTGGAGGCCATC[G>A]ACGTGCCCGCAGGCACTGCCACCCTCGGCCGCCGCCTGGTAAACATCACCATCATCAAGG-3'
Protein context (NP_000204.3, residues 956-976): DEKQLLVEAI[Asp966Asn]VPAGTATLGR